The following is an entry in ClinVar:

ClinVar aggregate classification (germline): Uncertain significance. Review status: criteria provided, multiple submitters, no conflicts (2 of 4 stars). 2 submissions from 2 submitters: Uncertain significance (2). Last evaluated 2023-04-24.

Conditions:
Inborn genetic diseases. Identifiers: MedGen C0950123, MeSH D030342.

Allele frequency attached by ClinVar (database versions not stated): gnomAD exomes below 0.00001; gnomAD 0.00002; TOPMed 0.00003.
gnomAD v4.1: 11 of 1,613,678 alleles (0.00068%); highest among the groups gnomAD compares: African/African-American, 0.011%; no homozygotes.

Submissions (2):

Labcorp Genetics (formerly Invitae), Labcorp
Classification: Uncertain significance. Last evaluated: 2023-04-24. Review status: criteria provided, single submitter. Criteria: Invitae Variant Classification Sherloc (09022015). Collection method: clinical testing. Allele origin: germline.
Comment: This variant has not been reported in the literature in individuals affected with DNA2-related conditions. This variant is present in population databases (no rsID available, gnomAD 0.02%). This sequence change replaces alanine, which is neutral and non-polar, with valine, which is neutral and non-polar, at codon 874 of the DNA2 protein (p.Ala874Val). Experimental studies and prediction algorithms are not available or were not evaluated, and the functional significance of this variant is currently unknown. In summary, the available evidence is currently insufficient to determine the role of this variant in disease. Therefore, it has been classified as a Variant of Uncertain Significance.

Ambry Genetics
Classification: Uncertain significance for Inborn genetic diseases. Last evaluated: 2023-03-01. Review status: criteria provided, single submitter. Criteria: Ambry Variant Classification Scheme 2023. Collection method: clinical testing. Allele origin: germline.

NM_001080449.3(DNA2):c.2621C>T (p.Ala874Val)

Gene: DNA2 (DNA replication helicase/nuclease 2; minus strand). Cytogenetic location: 10q21.3.
Variant type: single nucleotide variant.
Coding change: c.2621C>T on transcript NM_001080449.3 (MANE Select); coding-DNA position 2621, C replaced by T.
Protein change: p.Ala874Val; replaces alanine 874 with valine.
Molecular consequence: missense variant. On other transcripts: non-coding transcript variant (1).
Genome position (GRCh38, 1-based): chr10:68,422,301, G>A on the plus strand (C>T on the coding strand, the complement: DNA2 is on the minus strand). VCF-style: chr10-68422301-G-A. GRCh37 (hg19) VCF-style: chr10-70182058-G-A.
Other names: short protein forms A874V.
Identifiers: ClinVar variation 2492790 (VCV002492790.5), dbSNP rs866536175, ClinGen allele CA208194090.